The following is an entry in ClinVar:

NM_000395.3(CSF2RB):c.1467C>A (p.Asn489Lys)

Gene: CSF2RB (colony stimulating factor 2 receptor subunit beta; plus strand). Cytogenetic location: 22q12.3.
Variant type: single nucleotide variant.
Coding change: c.1467C>A on transcript NM_000395.3 (MANE Select); coding-DNA position 1467, C replaced by A.
Protein change: p.Asn489Lys; replaces asparagine 489 with lysine.
Molecular consequence: missense variant.
Genome position (GRCh38, 1-based): chr22:36,936,551, C>A. VCF-style: chr22-36936551-C-A. GRCh37 (hg19) VCF-style: chr22-37332593-C-A.
Other names: c.1485C>A, p.Asn495Lys (NM_001410827.1); short protein forms N495K, N489K.
Identifiers: ClinVar variation 1999338 (VCV001999338.4), dbSNP rs759598939, ClinGen allele CA411409512.

ClinVar aggregate classification (germline): Uncertain significance (1 of 4 stars; one submission).

Allele frequency attached by ClinVar (database versions not stated): TOPMed below 0.00001.
gnomAD v4.1: 3 of 1,612,616 alleles (0.00019%); highest among the groups gnomAD compares: Non-Finnish European, 0.00017%; no homozygotes.

Submission:

Labcorp Genetics (formerly Invitae), Labcorp
Classification: Uncertain significance. Last evaluated: 2022-05-27. Review status: criteria provided, single submitter. Criteria: Invitae Variant Classification Sherloc (09022015). Collection method: clinical testing. Allele origin: germline.
Comment: This sequence change replaces asparagine, which is neutral and polar, with lysine, which is basic and polar, at codon 489 of the CSF2RB protein (p.Asn489Lys). In summary, the available evidence is currently insufficient to determine the role of this variant in disease. Therefore, it has been classified as a Variant of Uncertain Significance. Algorithms developed to predict the effect of sequence changes on RNA splicing suggest that this variant may disrupt the consensus splice site. Algorithms developed to predict the effect of missense changes on protein structure and function output the following: SIFT: "Deleterious"; PolyPhen-2: "Possibly Damaging"; Align-GVGD: "Class C0". The lysine amino acid residue is found in multiple mammalian species, which suggests that this missense change does not adversely affect protein function. This variant has not been reported in the literature in individuals affected with CSF2RB-related conditions. This variant is not present in population databases (gnomAD no frequency).